The following is an entry in ClinVar:

NM_003628.6(PKP4):c.2758C>G (p.Arg920Gly)

Genes: PKP4 (plakophilin 4; plus strand), PKP4-AS1 (PKP4 antisense RNA 1; minus strand). Cytogenetic location: 2q24.1.
Variant type: single nucleotide variant.
Coding change: c.2758C>G on transcript NM_003628.6 (MANE Select); coding-DNA position 2758, C replaced by G.
Protein change: p.Arg920Gly; replaces arginine 920 with glycine.
Molecular consequence: missense variant.
Genome position (GRCh38, 1-based): chr2:158,669,749, C>G. VCF-style: chr2-158669749-C-G. GRCh37 (hg19) VCF-style: chr2-159526261-C-G.
Other names: c.2758C>G, p.Arg920Gly (NM_001005476.4, NM_001377218.1, NM_001377225.1); c.2755C>G, p.Arg919Gly (NM_001304969.3, NM_001377219.1, NM_001377220.1 and 2 more transcripts); c.1729C>G, p.Arg577Gly (NM_001304970.3); c.2752C>G, p.Arg918Gly (NM_001377222.1, NM_001377223.1); c.2749C>G, p.Arg917Gly (NM_001377224.1); short protein forms R577G, R917G, R918G, R919G, R920G.
Identifiers: ClinVar variation 3223513 (VCV003223513.1), dbSNP rs1405772975, ClinGen allele CA348905140.

ClinVar aggregate classification (germline): Uncertain significance (1 of 4 stars; one submission).

Submission:

Ambry Genetics
Classification: Uncertain significance. Last evaluated: 2023-12-22. Review status: criteria provided, single submitter. Criteria: Ambry Variant Classification Scheme 2023. Collection method: clinical testing. Allele origin: germline.
Comment: The p.R920G variant (also known as c.2758C>G), located in coding exon 16 of the PKP4 gene, results from a C to G substitution at nucleotide position 2758. The arginine at codon 920 is replaced by glycine, an amino acid with dissimilar properties. This amino acid position is conserved. In addition, the in silico prediction for this alteration is inconclusive. Since supporting evidence is limited at this time, the clinical significance of this alteration remains unclear.